The following is an entry in ClinVar:

ClinVar aggregate classification (germline): Uncertain significance (1 of 4 stars; one submission).

Submission:

GeneDx
Classification: Uncertain significance. Last evaluated: 2026-01-20. Review status: criteria provided, single submitter. Criteria: GeneDx Variant Classification Process June 2021. Collection method: clinical testing. Allele origin: germline.
Comment: Not observed at significant frequency in large population cohorts (gnomAD); In silico analysis supports that this missense variant has a deleterious effect on protein structure/function; Has not been previously published as pathogenic or benign to our knowledge

NM_152296.5(ATP1A3):c.1146G>T (p.Trp382Cys)

Gene: ATP1A3 (ATPase Na+/K+ transporting subunit alpha 3; minus strand). Cytogenetic location: 19q13.2.
Variant type: single nucleotide variant.
Coding change: c.1146G>T on transcript NM_152296.5 (MANE Select); coding-DNA position 1146, G replaced by T.
Protein change: p.Trp382Cys; replaces tryptophan 382 with cysteine.
Molecular consequence: missense variant.
Genome position (GRCh38, 1-based): chr19:41,981,954, C>A on the plus strand (G>T on the coding strand, the complement: ATP1A3 is on the minus strand). VCF-style: chr19-41981954-C-A. GRCh37 (hg19) VCF-style: chr19-42486106-C-A.
Other names: c.1179G>T, p.Trp393Cys (NM_001256213.2); c.1185G>T, p.Trp395Cys (NM_001256214.2); short protein forms W382C, W393C, W395C.
Identifiers: ClinVar variation 3392666 (VCV003392666.2).